The following is an entry in ClinVar:

NM_024596.5(MCPH1):c.1390G>A (p.Val464Ile)

Gene: MCPH1 (microcephalin 1; plus strand). Cytogenetic location: 8p23.1.
Variant type: single nucleotide variant.
Coding change: c.1390G>A on transcript NM_024596.5 (MANE Select); coding-DNA position 1390, G replaced by A.
Protein change: p.Val464Ile; replaces valine 464 with isoleucine.
Molecular consequence: missense variant. On other transcripts: non-coding transcript variant (1).
Genome position (GRCh38, 1-based): chr8:6,445,112, G>A. VCF-style: chr8-6445112-G-A. GRCh37 (hg19) VCF-style: chr8-6302633-G-A.
Other names: c.1390G>A, p.Val464Ile (NM_001172574.2, NM_001322042.2, NM_001363979.1 and 1 more transcripts); c.1246G>A, p.Val416Ile (NM_001172575.2); c.1384G>A, p.Val462Ile (NM_001322043.2); c.1288G>A, p.Val430Ile (NM_001322045.2); short protein forms V464I, V430I, V462I, V416I.
Identifiers: ClinVar variation 909151 (VCV000909151.9), dbSNP rs531526435, ClinGen allele CA4610538.
Genomic context (GRCh38, chr8:6,445,112, plus strand): 5'-TGCAGAAGTCTTTCTAAGAAGGAGAGAACAAGCATATTTGAAATGTCTGATTTTTCCTGC[G>A]TTGGCAAAAAAACCAGAACAGTTGACATTACCAATTTCACAGCAAAAACCATCTCCAGTC-3'
Protein context (NP_078872.3, residues 454-474): SIFEMSDFSC[Val464Ile]GKKTRTVDIT

ClinVar aggregate classification (germline): Conflicting classifications of pathogenicity. Review status: criteria provided, conflicting classifications (1 of 4 stars). 3 submissions from 3 submitters: Uncertain significance (2); Likely benign (1). Last evaluated 2024-08-07.

Conditions:
Microcephaly 1, primary, autosomal recessive (MCPH1). Also called: PREMATURE CHROMOSOME CONDENSATION SYNDROME; PCC SYNDROME; PREMATURE CHROMOSOME CONDENSATION WITH MICROCEPHALY AND MENTAL RETARDATION. Identifiers: Orphanet 2512, MedGen C1855081, MONDO:0009617, OMIM 251200.
Inborn genetic diseases. Identifiers: MedGen C0950123, MeSH D030342.

Allele frequency attached by ClinVar (database versions not stated): gnomAD 0.00001 and 0.00011; TOPMed 0.00005; 1000 Genomes Project 30x 0.00156; 1000 Genomes Project 0.00160.

Submissions (3):

Ambry Genetics
Classification: Likely benign for Inborn genetic diseases. Last evaluated: 2024-08-07. Review status: criteria provided, single submitter. Criteria: Ambry Variant Classification Scheme 2023. Collection method: clinical testing. Allele origin: germline.

Labcorp Genetics (formerly Invitae), Labcorp
Classification: Uncertain significance. Last evaluated: 2022-07-20. Review status: criteria provided, single submitter. Criteria: Invitae Variant Classification Sherloc (09022015). Collection method: clinical testing. Allele origin: germline.
Comment: This sequence change replaces valine, which is neutral and non-polar, with isoleucine, which is neutral and non-polar, at codon 464 of the MCPH1 protein (p.Val464Ile). The frequency data for this variant in the population databases is considered unreliable, as metrics indicate poor data quality at this position in the gnomAD database. This variant has not been reported in the literature in individuals affected with MCPH1-related conditions. ClinVar contains an entry for this variant (Variation ID: 909151). Algorithms developed to predict the effect of missense changes on protein structure and function output the following: SIFT: "Not Available"; PolyPhen-2: "Benign"; Align-GVGD: "Not Available". The isoleucine amino acid residue is found in multiple mammalian species, which suggests that this missense change does not adversely affect protein function. In summary, the available evidence is currently insufficient to determine the role of this variant in disease. Therefore, it has been classified as a Variant of Uncertain Significance.

Illumina Laboratory Services, Illumina
Classification: Uncertain significance for Microcephaly 1, primary, autosomal recessive. Last evaluated: 2018-01-13. Review status: criteria provided, single submitter. Criteria: ICSL Variant Classification Criteria 13 December 2019. Collection method: clinical testing. Allele origin: germline.